The following is an entry in ClinVar:

NM_000548.5(TSC2):c.3483A>T (p.Ala1161=)

Gene: TSC2 (TSC complex subunit 2; plus strand). Cytogenetic location: 16p13.3.
Variant type: single nucleotide variant.
Coding change: c.3483A>T on transcript NM_000548.5 (MANE Select); coding-DNA position 3483, A replaced by T.
Protein change: p.Ala1161=; no amino-acid change (alanine 1161 retained).
Molecular consequence: synonymous variant. On other transcripts: non-coding transcript variant (5).
Genome position (GRCh38, 1-based): chr16:2,080,250, A>T. VCF-style: chr16-2080250-A-T. GRCh37 (hg19) VCF-style: chr16-2130251-A-T.
Other names: c.3351A>T, p.Ala1117= (NM_001077183.3, NM_001370404.1, NM_001406665.1); c.3483A>T, p.Ala1161= (NM_001114382.3); c.3243A>T, p.Ala1081= (NM_001318827.2); c.3207A>T, p.Ala1069= (NM_001318829.2); c.2751A>T, p.Ala917= (NM_001318831.2, NM_001406687.1, NM_001406688.1); c.3384A>T, p.Ala1128= (NM_001318832.2); c.3354A>T, p.Ala1118= (NM_001363528.2, NM_001370405.1, NM_021055.3); c.3480A>T, p.Ala1160= (NM_001406663.1, NM_001406664.1); and 18 more.
Identifiers: ClinVar variation 2126970 (VCV002126970.8), dbSNP rs748326601, ClinGen allele CA047109.

ClinVar aggregate classification (germline): Benign/Likely benign. Review status: criteria provided, multiple submitters, no conflicts (2 of 4 stars). 4 submissions from 4 submitters: Benign (2); Likely benign (2). Last evaluated 2025-05-29.

Conditions:
Tuberous sclerosis 2 (TSC2). Identifiers: Orphanet 805, MedGen C1860707, MONDO:0013199, OMIM 613254.
Hereditary cancer-predisposing syndrome. Also called: Hereditary Cancer Syndrome; Neoplastic Syndromes, Hereditary; Hereditary neoplastic syndrome; Tumor predisposition. Identifiers: Orphanet 140162, MedGen C0027672, MeSH D009386, MONDO:0015356.
Tuberous sclerosis syndrome (TSC). Also called: Tuberous Sclerosis Complex; Tuberous sclerosis. Identifiers: Orphanet 805, MedGen C0041341, MONDO:0001734.

Allele frequency attached by ClinVar (database versions not stated): gnomAD exomes below 0.00001.
gnomAD v4.1: 1 of 1,612,024 alleles (0.000062%); highest among the groups gnomAD compares: East Asian, 0.0022%; no homozygotes.

Submissions (4):

Myriad Genetics, Inc.
Classification: Benign for Tuberous sclerosis 2. Last evaluated: 2025-05-29. Review status: criteria provided, single submitter. Criteria: Myriad Autosomal Dominant, Autosomal Recessive and X-Linked Classification Criteria (2023). Collection method: clinical testing. Allele origin: unknown.
Comment: This variant is considered benign. This variant is a silent/synonymous amino acid change and it is not expected to impact splicing.

All of Us Research Program, National Institutes of Health
Classification: Likely benign for Tuberous sclerosis syndrome. Last evaluated: 2024-07-10. Review status: criteria provided, single submitter. Criteria: ACMG Guidelines, 2015. Collection method: clinical testing. Allele origin: germline. Inheritance: Autosomal dominant inheritance. Observed: 3 variant alleles, 3 heterozygotes.
Comment: This study involves interpretation of variants in research participants for the purpose of population health screening. Participant phenotype was not available at the time of variant classification. Additional details can be found in publication PMID: 35346344, PMCID: PMC8962531

Labcorp Genetics (formerly Invitae), Labcorp
Classification: Benign for Tuberous sclerosis 2. Last evaluated: 2024-02-02. Review status: criteria provided, single submitter. Criteria: Invitae Variant Classification Sherloc (09022015). Collection method: clinical testing. Allele origin: germline.

Ambry Genetics
Classification: Likely benign for Hereditary cancer-predisposing syndrome. Last evaluated: 2021-11-24. Review status: criteria provided, single submitter. Criteria: Ambry Variant Classification Scheme 2023. Collection method: clinical testing. Allele origin: germline.